The following is an entry in ClinVar:

NM_007317.3(KIF22):c.79C>T (p.Arg27Cys)

Gene: KIF22 (kinesin family member 22; plus strand). Cytogenetic location: 16p11.2.
Variant type: single nucleotide variant.
Coding change: c.79C>T on transcript NM_007317.3 (MANE Select); coding-DNA position 79, C replaced by T.
Protein change: p.Arg27Cys; replaces arginine 27 with cysteine.
Molecular consequence: missense variant. On other transcripts: 5 prime UTR variant (2).
Genome position (GRCh38, 1-based): chr16:29,796,901, C>T. VCF-style: chr16-29796901-C-T. GRCh37 (hg19) VCF-style: chr16-29808222-C-T.
Other names: c.-126C>T (NM_001256269.2, NM_001256270.1); c.79C>T (NM_007317.1); short protein forms R27C.
Identifiers: ClinVar variation 1352875 (VCV001352875.9), dbSNP rs769692085, ClinGen allele CA7992900.

ClinVar aggregate classification (germline): Uncertain significance. Review status: criteria provided, multiple submitters, no conflicts (2 of 4 stars). 2 submissions from 2 submitters: Uncertain significance (2). Last evaluated 2025-11-03.

Allele frequency attached by ClinVar (database versions not stated): gnomAD 0.00002; ExAC 0.00003; gnomAD exomes 0.00003; TOPMed 0.00006.
gnomAD v4.1: 21 of 1,613,914 alleles (0.0013%); highest among the groups gnomAD compares: Admixed American, 0.0033%; no homozygotes.

Submissions (2):

Labcorp Genetics (formerly Invitae), Labcorp
Classification: Uncertain significance. Last evaluated: 2025-11-03. Review status: criteria provided, single submitter. Criteria: Invitae Variant Classification Sherloc (09022015). Collection method: clinical testing. Allele origin: germline.
Comment: This sequence change replaces arginine, which is basic and polar, with cysteine, which is neutral and slightly polar, at codon 27 of the KIF22 protein (p.Arg27Cys). This variant is present in population databases (rs769692085, gnomAD 0.02%). This variant has not been reported in the literature in individuals affected with KIF22-related conditions. ClinVar contains an entry for this variant (Variation ID: 1352875). An algorithm developed to predict the effect of missense changes on protein structure and function (PolyPhen-2) suggests that this variant is likely to be disruptive. In summary, the available evidence is currently insufficient to determine the role of this variant in disease. Therefore, it has been classified as a Variant of Uncertain Significance.

Ambry Genetics
Classification: Uncertain significance. Last evaluated: 2025-03-05. Review status: criteria provided, single submitter. Criteria: Ambry Variant Classification Scheme 2023. Collection method: clinical testing. Allele origin: germline.